The following is an entry in ClinVar:

NC_012920.1(MT-TQ):m.4363T>C

Gene: MT-TQ (mitochondrially encoded tRNA glutamine; minus strand).
Variant type: single nucleotide variant.
Genome position: chrM-4363-T-C.
Identifiers: ClinVar variation 235017 (VCV000235017.5), dbSNP rs200009705, ClinGen allele CA10581204.

ClinVar aggregate classification (germline): Conflicting classifications of pathogenicity. Review status: criteria provided, conflicting classifications (1 of 4 stars). 3 submissions from 3 submitters: Uncertain significance (1); Benign (1); Likely benign (1). Last evaluated 2023-01-04.

Conditions:
MELAS syndrome (MELAS). Also called: Juvenile myopathy, encephalopathy, lactic acidosis, stroke. Identifiers: Orphanet 550, MedGen C0162671, MONDO:0010789, OMIM 540000.

Submissions (3):

Clinical Genetics Laboratory, Skane University Hospital Lund
Classification: Likely benign. Last evaluated: 2023-01-04. Review status: criteria provided, single submitter. Criteria: ACMG Guidelines, 2015. Collection method: clinical testing. Allele origin: germline. Affected: yes.

Wong Mito Lab, Molecular and Human Genetics, Baylor College of Medicine
Classification: Benign for MELAS syndrome. Last evaluated: 2019-07-12. Review status: criteria provided, single submitter. Criteria: Modified ACMG Guidelines (Unpublished). Collection method: clinical testing. Allele origin: germline.
Comment: The NC_012920.1:m.4363T>C variant in MT-TQ gene is interpreted to be a Benign variant based on the modified ACMG guidelines (unpublished). This variant meets the following evidence codes reported in the guidelines: BS1, BS4, BP4

Stanford Center for Inherited Cardiovascular Disease, Stanford University
Classification: Uncertain significance. Last evaluated: 2012-12-18. Review status: criteria provided, single submitter. Criteria: ACMG Guidelines, 2015. Collection method: provider interpretation. Allele origin: germline.

Literature cited by the submitters: PubMed 31965079 (cited by Wong Mito Lab, Molecular and Human Genetics, Baylor College of Medicine); PubMed 12406974 (cited by Wong Mito Lab, Molecular and Human Genetics, Baylor College of Medicine).